The following is an entry in ClinVar:

NM_000548.5(TSC2):c.2837+8C>G

Gene: TSC2 (TSC complex subunit 2; plus strand). Cytogenetic location: 16p13.3.
Variant type: single nucleotide variant.
Coding change: c.2837+8C>G on transcript NM_000548.5 (MANE Select); 8 bases into the intron after coding-DNA position 2837, C replaced by G.
Molecular consequence: intron variant.
Genome position (GRCh38, 1-based): chr16:2,076,593, C>G. VCF-style: chr16-2076593-C-G. GRCh37 (hg19) VCF-style: chr16-2126594-C-G.
Other names: c.2837+8C>G (NM_001114382.3, NM_021055.3, NM_001370405.1 and 3 more transcripts); c.2726+8C>G (NM_001318827.2); c.2237+8C>G (NM_001318831.2); c.2690+8C>G (NM_001318829.2); c.2870+8C>G (NM_001318832.2).
Identifiers: ClinVar variation 2106198 (VCV002106198.5), dbSNP rs1596369779, ClinGen allele CA2580090881.
Genomic context (GRCh38, chr16:2,076,593, plus strand): 5'-GAGAAGGACAGCTTCAGGGCCCGGAGTACTAGTCTCAACGAGAGACCCAAGAGGTACGGC[C>G]TGCGGGGGTGTGCCTGGAGTCGGTGTGGGGTGGGGAAGGACATGGGGCTGTGGCCTGCCT-3'

ClinVar aggregate classification (germline): Likely benign. Review status: criteria provided, multiple submitters, no conflicts (2 of 4 stars). 2 submissions from 2 submitters: Likely benign (2). Last evaluated 2025-05-27.

Conditions:
Tuberous sclerosis 2 (TSC2). Identifiers: Orphanet 805, MedGen C1860707, MONDO:0013199, OMIM 613254.

Submissions (2):

Myriad Genetics, Inc.
Classification: Likely benign for Tuberous sclerosis 2. Last evaluated: 2025-05-27. Review status: criteria provided, single submitter. Criteria: Myriad Autosomal Dominant, Autosomal Recessive and X-Linked Classification Criteria (2023). Collection method: clinical testing. Allele origin: unknown.
Comment: This variant is considered likely benign. This variant is intronic and is not expected to impact mRNA splicing.

Labcorp Genetics (formerly Invitae), Labcorp
Classification: Likely benign for Tuberous sclerosis 2. Last evaluated: 2024-11-07. Review status: criteria provided, single submitter. Criteria: Invitae Variant Classification Sherloc (09022015). Collection method: clinical testing. Allele origin: germline.